The following is an entry in ClinVar:

ClinVar aggregate classification (germline): Uncertain significance (1 of 4 stars; one submission).

Conditions:
Catecholaminergic polymorphic ventricular tachycardia 1. Also called: RYR2-Related Catecholaminergic Polymorphic Ventricular Tachycardia; VENTRICULAR TACHYCARDIA, STRESS-INDUCED POLYMORPHIC 1; VENTRICULAR TACHYCARDIA, CATECHOLAMINERGIC POLYMORPHIC, 1, WITH OR WITHOUT ATRIAL DYSFUNCTION AND/OR DILATED CARDIOMYOPATHY. Identifiers: Orphanet 3286, MedGen C1631597, MONDO:0011484, OMIM 604772.

Submission:

Labcorp Genetics (formerly Invitae), Labcorp
Classification: Uncertain significance for Catecholaminergic polymorphic ventricular tachycardia 1. Last evaluated: 2025-09-16. Review status: criteria provided, single submitter. Criteria: Invitae Variant Classification Sherloc (09022015). Collection method: clinical testing. Allele origin: germline.
Comment: This sequence change creates a premature translational stop signal (p.Gln3462*) in the RYR2 gene. It is expected to result in an absent or disrupted protein product. However, the current clinical and genetic evidence is not sufficient to establish whether loss-of-function variants in RYR2 cause disease. This variant is not present in population databases (gnomAD no frequency). This variant has not been reported in the literature in individuals affected with RYR2-related conditions. ClinVar contains an entry for this variant (Variation ID: 2033745). In summary, the available evidence is currently insufficient to determine the role of this variant in disease. Therefore, it has been classified as a Variant of Uncertain Significance.

NM_001035.3(RYR2):c.10384C>T (p.Gln3462Ter)

Gene: RYR2 (ryanodine receptor 2; plus strand). Cytogenetic location: 1q43.
Variant type: single nucleotide variant.
Coding change: c.10384C>T on transcript NM_001035.3 (MANE Select); coding-DNA position 10384, C replaced by T.
Protein change: p.Gln3462Ter; replaces glutamine 3462 with a stop codon.
Molecular consequence: nonsense.
Genome position (GRCh38, 1-based): chr1:237,717,258, C>T. VCF-style: chr1-237717258-C-T. GRCh37 (hg19) VCF-style: chr1-237880558-C-T.
Other names: short protein forms Q3462*.
Identifiers: ClinVar variation 2033745 (VCV002033745.4), dbSNP rs2547451937, ClinGen allele CA345414397.
Genomic context (GRCh38, chr1:237,717,258, plus strand): 5'-GCAGCTGTTTCTGATCAGGAAAGGAAGAAAATGAAGCGCAAAGGAGATCGGTATTCCATG[C>T]AGACCTCTCTGATTGTAGCAGCTCTGAAGCGGTTACTGCCCATTGGGTTGAACATCTGTG-3'